The following is an entry in ClinVar:

ClinVar aggregate classification (germline): Conflicting classifications of pathogenicity. Review status: criteria provided, conflicting classifications (1 of 4 stars). 3 submissions from 3 submitters: Uncertain significance (2); Likely benign (1). Last evaluated 2026-01-05.

Conditions:
Tuberous sclerosis 2 (TSC2). Identifiers: Orphanet 805, MedGen C1860707, MONDO:0013199, OMIM 613254.
Tuberous sclerosis syndrome (TSC). Also called: Tuberous Sclerosis Complex; Tuberous sclerosis. Identifiers: Orphanet 805, MedGen C0041341, MONDO:0001734.

Allele frequency attached by ClinVar (database versions not stated): gnomAD 0.00001; ExAC 0.00002.
gnomAD v4.1: 7 of 1,590,524 alleles (0.00044%); highest among the groups gnomAD compares: Non-Finnish European, 0.000085%; no homozygotes.

Submissions (3):

Labcorp Genetics (formerly Invitae), Labcorp
Classification: Likely benign for Tuberous sclerosis 2. Last evaluated: 2026-01-05. Review status: criteria provided, single submitter. Criteria: Invitae Variant Classification Sherloc (09022015). Collection method: clinical testing. Allele origin: germline.

Color Diagnostics, LLC DBA Color Health
Classification: Uncertain significance for Tuberous sclerosis syndrome. Last evaluated: 2025-06-25. Review status: criteria provided, single submitter. Criteria: ACMG Guidelines, 2015. Collection method: clinical testing. Allele origin: germline.
Comment: This missense variant replaces threonine with isoleucine at codon 1661 of the TSC2 protein. Computational prediction suggests that this variant may have deleterious impact on protein structure and function. To our knowledge, functional studies have not been reported for this variant. This variant has not been reported in individuals affected with TSC2-related disorders in the literature. This variant has been identified in 1/209310 chromosomes in the general population by the Genome Aggregation Database (gnomAD). The available evidence is insufficient to determine the role of this variant in disease conclusively. Therefore, this variant is classified as a Variant of Uncertain Significance.

All of Us Research Program, National Institutes of Health
Classification: Uncertain significance for Tuberous sclerosis syndrome. Last evaluated: 2024-09-23. Review status: criteria provided, single submitter. Criteria: ACMG Guidelines, 2015. Collection method: clinical testing. Allele origin: germline. Inheritance: Autosomal dominant inheritance. Observed: 1 variant allele, 1 heterozygote.
Comment: This study involves interpretation of variants in research participants for the purpose of population health screening. Participant phenotype was not available at the time of variant classification. Additional details can be found in publication PMID: 35346344, PMCID: PMC8962531

NM_000548.5(TSC2):c.4982C>T (p.Thr1661Ile)

Gene: TSC2 (TSC complex subunit 2; plus strand). Cytogenetic location: 16p13.3.
Variant type: single nucleotide variant.
Coding change: c.4982C>T on transcript NM_000548.5 (MANE Select); coding-DNA position 4982, C replaced by T.
Protein change: p.Thr1661Ile; replaces threonine 1661 with isoleucine.
Molecular consequence: missense variant.
Genome position (GRCh38, 1-based): chr16:2,086,864, C>T. VCF-style: chr16-2086864-C-T. GRCh37 (hg19) VCF-style: chr16-2136865-C-T.
Other names: c.4781C>T, p.Thr1594Ile (NM_001077183.3); c.4913C>T, p.Thr1638Ile (NM_001114382.3); c.4673C>T, p.Thr1558Ile (NM_001318827.2); c.4637C>T, p.Thr1546Ile (NM_001318829.2); c.4250C>T, p.Thr1417Ile (NM_001318831.2); c.4814C>T, p.Thr1605Ile (NM_001318832.2); c.4784C>T, p.Thr1595Ile (NM_001363528.2); c.4850C>T, p.Thr1617Ile (NM_001370404.1); and 1 more; short protein forms T1661I, T1417I, T1617I, T1618I, T1638I, T1558I, T1594I, T1605I.
Identifiers: ClinVar variation 1387739 (VCV001387739.8), dbSNP rs776541842, ClinGen allele CA053177.